The following is an entry in ClinVar:

ClinVar aggregate classification (germline): Uncertain significance (1 of 4 stars; one submission).

Submission:

Dasa
Classification: Uncertain significance. Last evaluated: 2025-06-05. Review status: criteria provided, single submitter. Criteria: DASA Assertion Criteria. Collection method: clinical testing. Allele origin: germline.
Comment: NM_015215.4(CAMTA1):c.2686C>G (p.Gln896Glu) is a missense variant that results in the substitution of glutamine with glutamic acid. This variant is absent from population databases. Computational prediction algorithms are consistent with a benign effect. The currently available literature and clinical evidence are not sufficient to establish a definitive association between this variant and the reported condition. Therefore, this variant is classified as a variant of uncertain significance.

NM_015215.4(CAMTA1):c.2686C>G (p.Gln896Glu)

Gene: CAMTA1 (calmodulin binding transcription activator 1; plus strand). Cytogenetic location: 1p36.23.
Variant type: single nucleotide variant.
Coding change: c.2686C>G on transcript NM_015215.4 (MANE Select); coding-DNA position 2686, C replaced by G.
Protein change: p.Gln896Glu; replaces glutamine 896 with glutamic acid.
Molecular consequence: missense variant. On other transcripts: 5 prime UTR variant (6).
Genome position (GRCh38, 1-based): chr1:7,670,944, C>G. VCF-style: chr1-7670944-C-G. GRCh37 (hg19) VCF-style: chr1-7731004-C-G.
Other names: c.2596C>G, p.Gln866Glu (NM_001349608.2, NM_001349612.2); c.2686C>G, p.Gln896Glu (NM_001349609.2, NM_001349610.2, NM_001410737.1); c.-243C>G (NM_001349614.1, NM_001349617.1, NM_001349620.1 and 3 more transcripts); c.2614C>G, p.Gln872Glu (NM_001410738.1); short protein forms Q866E, Q872E, Q896E.
Identifiers: ClinVar variation 4885153 (VCV004885153.2).
Genomic context (GRCh38, chr1:7,670,944, plus strand): 5'-CTCTGTTCCCCTCTCTGTTCTCTGCAGGGAGGAGTGAAGGTCCTCATCACAGGCCCGTGG[C>G]AAGAAGCCAGCAATAACTACAGCTGCCTGTTTGACCAGATCTCAGTGCCTGCATCCCTGA-3'
Protein context (NP_056030.1, residues 886-906): GVKVLITGPW[Gln896Glu]EASNNYSCLF